The following is an entry in ClinVar:

NM_001379291.1(BRD4):c.2337G>C (p.Pro779=)

Gene: BRD4 (bromodomain containing 4; minus strand). Cytogenetic location: 19p13.12.
Variant type: single nucleotide variant.
Coding change: c.2337G>C on transcript NM_001379291.1 (MANE Select); coding-DNA position 2337, G replaced by C.
Protein change: p.Pro779=; no amino-acid change (proline 779 retained).
Molecular consequence: synonymous variant.
Genome position (GRCh38, 1-based): chr19:15,244,475, C>G on the plus strand (G>C on the coding strand, the complement: BRD4 is on the minus strand). VCF-style: chr19-15244475-C-G. GRCh37 (hg19) VCF-style: chr19-15355286-C-G.
Other names: c.2337G>C, p.Pro779= (NM_058243.3).
Identifiers: ClinVar variation 2649452 (VCV002649452.24), dbSNP rs199759820, ClinGen allele CA9264976.

ClinVar aggregate classification (germline): Likely benign (1 of 4 stars; one submission).

Allele frequency attached by ClinVar (database versions not stated): ExAC 0.00017.

Submission:

CeGaT Center for Human Genetics Tuebingen
Classification: Likely benign. Last evaluated: 2023-09-01. Review status: criteria provided, single submitter. Criteria: CeGaT Center For Human Genetics Tuebingen Variant Classification Criteria Version 2. Collection method: clinical testing. Allele origin: germline. Affected: yes. Observed: 1 variant allele.
Comment: BRD4: PM2:Supporting, BP4, BP7